The following is an entry in ClinVar:

ClinVar aggregate classification (germline): Uncertain significance (1 of 4 stars; one submission).

Conditions:
POLD1-related polyposis and colorectal cancer syndrome (CRCS10). Also called: Colorectal cancer 10; COLORECTAL CANCER, SUSCEPTIBILITY TO, ON CHROMOSOME 19q; Colorectal cancer, susceptibility to, 10. Identifiers: Orphanet 220460, MedGen C2675481, MONDO:0012953, OMIM 612591.

Submission:

Labcorp Genetics (formerly Invitae), Labcorp
Classification: Uncertain significance for POLD1-related polyposis and colorectal cancer syndrome. Last evaluated: 2019-02-04. Review status: criteria provided, single submitter. Criteria: Invitae Variant Classification Sherloc (09022015). Collection method: clinical testing. Allele origin: germline.
Comment: In summary, the available evidence is currently insufficient to determine the role of this variant in disease. Therefore, it has been classified as a Variant of Uncertain Significance. Algorithms developed to predict the effect of missense changes on protein structure and function (SIFT, PolyPhen-2, Align-GVGD) all suggest that this variant is likely to be tolerated, but these predictions have not been confirmed by published functional studies and their clinical significance is uncertain. This variant has not been reported in the literature in individuals with POLD1-related conditions. This variant is not present in population databases (ExAC no frequency). This sequence change replaces serine with arginine at codon 544 of the POLD1 protein (p.Ser544Arg). The serine residue is weakly conserved and there is a moderate physicochemical difference between serine and arginine.

NM_002691.4(POLD1):c.1630A>C (p.Ser544Arg)

Gene: POLD1 (DNA polymerase delta 1, catalytic subunit; plus strand). Cytogenetic location: 19q13.33.
Variant type: single nucleotide variant.
Coding change: c.1630A>C on transcript NM_002691.4 (MANE Select); coding-DNA position 1630, A replaced by C.
Protein change: p.Ser544Arg; replaces serine 544 with arginine.
Molecular consequence: missense variant. On other transcripts: non-coding transcript variant (1).
Genome position (GRCh38, 1-based): chr19:50,407,118, A>C. VCF-style: chr19-50407118-A-C. GRCh37 (hg19) VCF-style: chr19-50910375-A-C.
Other names: c.1630A>C, p.Ser544Arg (NM_001256849.1, NM_001308632.1); short protein forms S544R.
Identifiers: ClinVar variation 855189 (VCV000855189.9), dbSNP rs2038922133, ClinGen allele CA406981006.